The following is an entry in ClinVar:

ClinVar aggregate classification (germline): Uncertain significance. Review status: criteria provided, multiple submitters, no conflicts (2 of 4 stars). 4 submissions from 4 submitters: Uncertain significance (4). Last evaluated 2021-10-29.

Conditions:
Cardiovascular phenotype. Identifiers: MedGen CN230736.
Autosomal recessive limb-girdle muscular dystrophy type 2J (LGMDR10). Also called: MUSCULAR DYSTROPHY, LIMB-GIRDLE, AUTOSOMAL RECESSIVE 10; Limb-girdle muscular dystrophy, type 2J. Identifiers: Orphanet 140922, MedGen C1837342, MONDO:0012127, OMIM 608807.
Dilated cardiomyopathy 1G (CMD1G). Identifiers: Orphanet 154, MedGen C1858763, MONDO:0011400, OMIM 604145.
Myopathy, myofibrillar, 9, with early respiratory failure (MFM9). Also called: Myopathy, distal, with early respiratory failure, autosomal dominant; Hereditary myopathy with early respiratory failure; EDSTROM MYOPATHY; MYOPATHY, PROXIMAL, WITH EARLY RESPIRATORY MUSCLE INVOLVEMENT. Identifiers: Orphanet 178464, Orphanet 34521, MedGen C1863599, MONDO:0011362, OMIM 603689.
Tibial muscular dystrophy (TMD). Also called: UDD MYOPATHY; Tibial muscular dystrophy, tardive; Udd Distal Myopathy – Tibial Muscular Dystrophy. Identifiers: Orphanet 609, MedGen C1838244, MONDO:0010870, OMIM 600334.
Early-onset myopathy with fatal cardiomyopathy (CMYO5). Also called: Salih Myopathy; CONGENITAL MYOPATHY 5 WITH CARDIOMYOPATHY. Identifiers: Orphanet 289377, MedGen C2673677, MONDO:0012714, OMIM 611705. Disease mechanism: loss of function.
Hypertrophic cardiomyopathy 9. Also called: Familial hypertrophic cardiomyopathy 9. Identifiers: MedGen C1861065, MONDO:0013412, OMIM 613765.

Allele frequency attached by ClinVar (database versions not stated): ExAC 0.00002; gnomAD exomes 0.00003; gnomAD 0.00005; TOPMed 0.00005.
gnomAD v4.1: 45 of 1,613,860 alleles (0.0028%); highest among the groups gnomAD compares: Non-Finnish European, 0.0036%; no homozygotes.

Submissions (4):

Fulgent Genetics
Classification: Uncertain significance for Tibial muscular dystrophy; Myopathy, myofibrillar, 9, with early respiratory failure; Dilated cardiomyopathy 1G; Autosomal recessive limb-girdle muscular dystrophy type 2J; Early-onset myopathy with fatal cardiomyopathy; Hypertrophic cardiomyopathy 9. Last evaluated: 2021-10-29. Review status: criteria provided, single submitter. Criteria: ACMG Guidelines, 2015. Collection method: clinical testing. Allele origin: unknown.

Ambry Genetics
Classification: Uncertain significance for Cardiovascular phenotype. Last evaluated: 2019-08-12. Review status: criteria provided, single submitter. Criteria: Ambry Variant Classification Scheme 2023. Collection method: clinical testing. Allele origin: germline.
Comment: The p.N24686H variant (also known as c.74056A>C), located in coding exon 185 of the TTN gene, results from an A to C substitution at nucleotide position 74056. The asparagine at codon 24686 is replaced by histidine, an amino acid with similar properties. This amino acid position is highly conserved in available vertebrate species. In addition, this alteration is predicted to be tolerated by in silico analysis. Since supporting evidence is limited at this time, the clinical significance of this alteration remains unclear.

Revvity Omics, Revvity
Classification: Uncertain significance. Last evaluated: 2019-04-17. Review status: criteria provided, single submitter. Criteria: ACMG Guidelines, 2015. Collection method: clinical testing. Allele origin: germline.

Labcorp Genetics (formerly Invitae), Labcorp
Classification: Uncertain significance for Dilated cardiomyopathy 1G; Autosomal recessive limb-girdle muscular dystrophy type 2J. Last evaluated: 2016-11-26. Review status: criteria provided, single submitter. Criteria: Invitae Variant Classification Sherloc (09022015). Collection method: clinical testing. Allele origin: germline.

NM_001267550.2(TTN):c.101251A>C (p.Asn33751His)

Genes: TTN-AS1 (TTN antisense RNA 1; plus strand), TTN (titin; minus strand). Cytogenetic location: 2q31.2.
Variant type: single nucleotide variant.
Coding change: c.101251A>C on transcript NM_001267550.2 (MANE Select); coding-DNA position 101251, A replaced by C.
Protein change: p.Asn33751His; replaces asparagine 33751 with histidine.
Molecular consequence: missense variant.
Genome position (GRCh38, 1-based): chr2:178,535,364, T>G on the plus strand (A>C on the coding strand, the complement: TTN is on the minus strand). VCF-style: chr2-178535364-T-G. GRCh37 (hg19) VCF-style: chr2-179400091-T-G.
Other names: c.96328A>C, p.Asn32110His (NM_001256850.1); c.74056A>C, p.Asn24686His (NM_003319.4); c.93547A>C, p.Asn31183His (NM_133378.4); c.74431A>C, p.Asn24811His (NM_133432.3); c.74632A>C, p.Asn24878His (NM_133437.4); short protein forms N33751H, N31183H, N32110H, N24811H, N24878H, N24686H.
Identifiers: ClinVar variation 405003 (VCV000405003.9), dbSNP rs753658469, ClinGen allele CA1985911.